The following is an entry in ClinVar:

ClinVar aggregate classification (germline): Uncertain significance (1 of 4 stars; one submission).

Allele frequency attached by ClinVar (database versions not stated): TOPMed 0.00002; gnomAD exomes 0.00003 and 0.00007; ExAC 0.00006.
gnomAD v4.1: 18 of 1,607,736 alleles (0.0011%); highest among the groups gnomAD compares: Admixed American, 0.029%; 1 homozygote.

Submission:

Labcorp Genetics (formerly Invitae), Labcorp
Classification: Uncertain significance. Last evaluated: 2026-01-19. Review status: criteria provided, single submitter. Criteria: Invitae Variant Classification Sherloc (09022015). Collection method: clinical testing. Allele origin: germline.
Comment: This sequence change replaces threonine, which is neutral and polar, with alanine, which is neutral and non-polar, at codon 473 of the VPS13D protein (p.Thr473Ala). This variant is present in population databases (rs780027637, gnomAD 0.04%), including at least one homozygous and/or hemizygous individual. This variant has not been reported in the literature in individuals affected with VPS13D-related conditions. ClinVar contains an entry for this variant (Variation ID: 1024852). An algorithm developed to predict the effect of missense changes on protein structure and function (PolyPhen-2) suggests that this variant is likely to be tolerated. In summary, the available evidence is currently insufficient to determine the role of this variant in disease. Therefore, it has been classified as a Variant of Uncertain Significance.

NM_015378.4(VPS13D):c.1417A>G (p.Thr473Ala)

Gene: VPS13D (vacuolar protein sorting 13 homolog D; plus strand). Cytogenetic location: 1p36.22.
Variant type: single nucleotide variant.
Coding change: c.1417A>G on transcript NM_015378.4 (MANE Select); coding-DNA position 1417, A replaced by G.
Protein change: p.Thr473Ala; replaces threonine 473 with alanine.
Molecular consequence: missense variant.
Genome position (GRCh38, 1-based): chr1:12,261,903, A>G. VCF-style: chr1-12261903-A-G. GRCh37 (hg19) VCF-style: chr1-12321960-A-G.
Other names: c.1417A>G, p.Thr473Ala (NM_018156.4); short protein forms T473A.
Identifiers: ClinVar variation 1024852 (VCV001024852.7), dbSNP rs780027637, ClinGen allele CA601522.